The following is an entry in ClinVar:

ClinVar aggregate classification (germline): Benign/Likely benign. Review status: criteria provided, multiple submitters, no conflicts (2 of 4 stars). 6 submissions from 6 submitters: Benign (4); Likely benign (2). Last evaluated 2026-02-01.

Conditions:
Kabuki syndrome. Also called: NIIKAWA-KUROKI SYNDROME; Kabuki make-up syndrome. Identifiers: Orphanet 2322, MedGen C0796004, MONDO:0016512.

Allele frequency attached by ClinVar (database versions not stated): gnomAD exomes 0.00031 and 0.00085; ExAC 0.00119; ESP Exome Variant Server 0.00308; gnomAD 0.00366 and 0.00394; TOPMed 0.00393; 1000 Genomes Project 30x 0.00453; 1000 Genomes Project 0.00459.
gnomAD v4.1: 1,032 of 1,609,740 alleles (0.064%); highest among the groups gnomAD compares: African/African-American, 1.2%; 4 homozygotes.

Submissions (6):

Labcorp Genetics (formerly Invitae), Labcorp
Classification: Benign for Kabuki syndrome. Last evaluated: 2026-02-01. Review status: criteria provided, single submitter. Criteria: Invitae Variant Classification Sherloc (09022015). Collection method: clinical testing. Allele origin: germline.

Blueprint Genetics
Classification: Likely benign. Last evaluated: 2024-11-01. Review status: criteria provided, single submitter. Criteria: ACMG Guidelines, 2015. Collection method: clinical testing. Allele origin: germline.

CeGaT Center for Human Genetics Tuebingen
Classification: Likely benign. Last evaluated: 2024-11-01. Review status: criteria provided, single submitter. Criteria: CeGaT Center For Human Genetics Tuebingen Variant Classification Criteria Version 2. Collection method: clinical testing. Allele origin: germline. Affected: yes. Observed: 1 variant allele.
Comment: KMT2D: BP4, BS1

GeneDx
Classification: Benign. Last evaluated: 2021-06-11. Review status: criteria provided, single submitter. Criteria: GeneDx Variant Classification Process June 2021. Collection method: clinical testing. Allele origin: germline. Affected: yes.

Genetic Services Laboratory, University of Chicago
Classification: Benign. Last evaluated: 2018-09-26. Review status: criteria provided, single submitter. Criteria: ACMG Guidelines, 2015. Collection method: clinical testing. Allele origin: germline. Affected: no.

Eurofins Ntd Llc (ga)
Classification: Benign. Last evaluated: 2012-09-19. Review status: criteria provided, single submitter. Criteria: EGL Classification Definitions 2015. Collection method: clinical testing. Allele origin: germline. Observed: 2 variant alleles, 2 heterozygotes.

NM_003482.4(KMT2D):c.8064G>A (p.Glu2688=)

Gene: KMT2D (lysine methyltransferase 2D; minus strand). Cytogenetic location: 12q13.12.
Variant type: single nucleotide variant.
Coding change: c.8064G>A on transcript NM_003482.4 (MANE Select); coding-DNA position 8064, G replaced by A.
Protein change: p.Glu2688=; no amino-acid change (glutamic acid 2688 retained).
Molecular consequence: synonymous variant.
Genome position (GRCh38, 1-based): chr12:49,039,600, C>T on the plus strand (G>A on the coding strand, the complement: KMT2D is on the minus strand). VCF-style: chr12-49039600-C-T. GRCh37 (hg19) VCF-style: chr12-49433383-C-T.
Identifiers: ClinVar variation 94256 (VCV000094256.39), dbSNP rs148457961, ClinGen allele CA147711.